The following is an entry in ClinVar:

NM_000061.3(BTK):c.1932C>G (p.Phe644Leu)

Gene: BTK (Bruton tyrosine kinase; minus strand). Cytogenetic location: Xq22.1.
Variant type: single nucleotide variant.
Coding change: c.1932C>G on transcript NM_000061.3 (MANE Select); coding-DNA position 1932, C replaced by G.
Protein change: p.Phe644Leu; replaces phenylalanine 644 with leucine.
Molecular consequence: missense variant.
Genome position (GRCh38, 1-based): chrX:101,349,933, G>C on the plus strand (C>G on the coding strand, the complement: BTK is on the minus strand). VCF-style: chrX-101349933-G-C. GRCh37 (hg19) VCF-style: chrX-100604921-G-C.
Other names: c.2034C>G, p.Phe678Leu (NM_001287344.2); c.1404C>G, p.Phe468Leu (NM_001287345.2); short protein forms F468L, F644L, F678L.
Identifiers: ClinVar variation 1047473 (VCV001047473.9), dbSNP rs1926219727, ClinGen allele CA413917685.

ClinVar aggregate classification (germline): Likely pathogenic (1 of 4 stars; one submission).

Conditions:
X-linked agammaglobulinemia with growth hormone deficiency (IGHD3). Also called: AGAMMAGLOBULINEMIA AND ISOLATED GROWTH HORMONE DEFICIENCY, X-LINKED; ISOLATED GROWTH HORMONE DEFICIENCY, TYPE III, WITH AGAMMAGLOBULINEMIA; FLEISHER SYNDROME; HYPOGAMMAGLOBULINEMIA AND ISOLATED GROWTH HORMONE DEFICIENCY, X-LINKED; IGHD III; Isolated growth hormone deficiency type 3. Identifiers: Orphanet 231692, Orphanet 631, MedGen C0472813, MONDO:0010615, OMIM 307200.

Submission:

Labcorp Genetics (formerly Invitae), Labcorp
Classification: Likely pathogenic for X-linked agammaglobulinemia with growth hormone deficiency. Last evaluated: 2022-10-24. Review status: criteria provided, single submitter. Criteria: Invitae Variant Classification Sherloc (09022015). Collection method: clinical testing. Allele origin: germline.
Comment: This variant is not present in population databases (gnomAD no frequency). This sequence change replaces phenylalanine, which is neutral and non-polar, with leucine, which is neutral and non-polar, at codon 644 of the BTK protein (p.Phe644Leu). This missense change has been observed in individuals with X-linked agammaglobulinaemia (PMID: 27535475, 29709555). Advanced modeling of protein sequence and biophysical properties (such as structural, functional, and spatial information, amino acid conservation, physicochemical variation, residue mobility, and thermodynamic stability) performed at Invitae indicates that this missense variant is expected to disrupt BTK protein function. This variant disrupts the p.Phe644 amino acid residue in BTK. Other variant(s) that disrupt this residue have been observed in individuals with BTK-related conditions (PMID: 8695804, 19419768, 32552675), which suggests that this may be a clinically significant amino acid residue. In summary, the currently available evidence indicates that the variant is pathogenic, but additional data are needed to prove that conclusively. Therefore, this variant has been classified as Likely Pathogenic.

Literature cited by the submitters: PubMed 27535475; PubMed 29709555; PubMed 8695804; PubMed 19419768; PubMed 32552675.